The following is an entry in ClinVar:

NM_033056.4(PCDH15):c.5656G>A (p.Val1886Ile)

Gene: PCDH15 (protocadherin related 15; minus strand). Cytogenetic location: 10q21.1.
Variant type: single nucleotide variant.
Coding change: c.5656G>A on transcript NM_033056.4 (MANE Plus Clinical); coding-DNA position 5656, G replaced by A.
Protein change: p.Val1886Ile; replaces valine 1886 with isoleucine.
Molecular consequence: missense variant. On other transcripts: intron variant (8).
Genome position (GRCh38, 1-based): chr10:53,822,070, C>T on the plus strand (G>A on the coding strand, the complement: PCDH15 is on the minus strand). VCF-style: chr10-53822070-C-T. GRCh37 (hg19) VCF-style: chr10-55581830-C-T.
Other names: c.5677G>A, p.Val1893Ile (NM_001142763.2); c.5662G>A, p.Val1888Ile (NM_001142764.2); c.5449G>A, p.Val1817Ile (NM_001142765.2); c.5647G>A, p.Val1883Ile (NM_001142766.2); c.5536G>A, p.Val1846Ile (NM_001142767.2); c.5596G>A, p.Val1866Ile (NM_001142768.2); c.5587G>A, p.Val1863Ile (NM_001142773.2); c.5590G>A, p.Val1864Ile (NM_001354404.2); and 7 more; short protein forms V1817I, V1846I, V1863I, V1864I, V1866I, V1883I, V1886I, V1888I.
Identifiers: ClinVar variation 1019884 (VCV001019884.2), dbSNP rs767706131, ClinGen allele CA5504988.
Genomic context (GRCh38, chr10:53,822,070, plus strand): 5'-TTTTTTCTATTTGACTGTACATGTTAGCTACTGATTTTTCAAGTTCTGCTAAGTTTTTAA[C>T]GTGTCTGAGGATGCCTTTTGGTTCTCTCTGAGGGTCTGTTTTACACACTGTCGTTGTTGA-3'
Protein context (NP_149045.3, residues 1876-1896): QREPKGILRH[Val1886Ile]KNLAELEKSV

ClinVar aggregate classification (germline): Uncertain significance (1 of 4 stars; one submission).

Allele frequency attached by ClinVar (database versions not stated): gnomAD 0.00001; ExAC 0.00001; TOPMed 0.00002.
gnomAD v4.1: 13 of 1,613,924 alleles (0.00081%); highest among the groups gnomAD compares: East Asian, 0.0089%; no homozygotes.

Submission:

Labcorp Genetics (formerly Invitae), Labcorp
Classification: Uncertain significance. Last evaluated: 2022-10-04. Review status: criteria provided, single submitter. Criteria: Invitae Variant Classification Sherloc (09022015). Collection method: clinical testing. Allele origin: germline.
Comment: This sequence change replaces valine, which is neutral and non-polar, with isoleucine, which is neutral and non-polar, at codon 1886 of the PCDH15 protein (p.Val1886Ile). The frequency data for this variant in the population databases is considered unreliable, as metrics indicate poor data quality at this position in the gnomAD database. This variant has not been reported in the literature in individuals affected with PCDH15-related conditions. ClinVar contains an entry for this variant (Variation ID: 1019884). Algorithms developed to predict the effect of missense changes on protein structure and function output the following: SIFT: "Tolerated"; PolyPhen-2: "Not Available"; Align-GVGD: "Class C0". The isoleucine amino acid residue is found in multiple mammalian species, which suggests that this missense change does not adversely affect protein function. In summary, the available evidence is currently insufficient to determine the role of this variant in disease. Therefore, it has been classified as a Variant of Uncertain Significance.